The following is an entry in ClinVar:

ClinVar aggregate classification (germline): Benign. Review status: criteria provided, multiple submitters, no conflicts (2 of 4 stars). 8 submissions from 8 submitters: Benign (5). 3 of the submissions do not count toward it. Last evaluated 2025-07-10.

Conditions:
Hereditary cancer-predisposing syndrome. Also called: Tumor predisposition; Hereditary neoplastic syndrome; Neoplastic Syndromes, Hereditary; Hereditary Cancer Syndrome. Identifiers: Orphanet 140162, MedGen C0027672, MeSH D009386, MONDO:0015356.
EPCAM-related disorder. Also called: EPCAM-related condition.

Allele frequency attached by ClinVar (database versions not stated): 1000 Genomes Project 30x 0.09853; 1000 Genomes Project 0.10004; TOPMed 0.10123; gnomAD 0.10341 and 0.10369.
gnomAD v4.1: 96,555 of 794,348 alleles (12%); highest among the groups gnomAD compares: East Asian, 16%; 6,859 homozygotes.

Submissions (8):

GeneKor MSA
Classification: Benign for Hereditary cancer-predisposing syndrome. Last evaluated: 2025-07-10. Review status: criteria provided, single submitter. Criteria: ACMG Guidelines, 2015. Collection method: clinical testing. Allele origin: germline.

Center for Genomic Medicine, Rigshospitalet, Copenhagen University Hospital
Classification: Benign. Last evaluated: 2025-03-04. Review status: criteria provided, single submitter. Criteria: ACMG Guidelines, 2015. Collection method: clinical testing. Allele origin: germline.

Sema4
Classification: Benign for Hereditary cancer-predisposing syndrome. Last evaluated: 2020-01-30. Review status: criteria provided, single submitter. Criteria: Sema4 Curation Guidelines. Collection method: curation. Allele origin: germline.

GeneDx
Classification: Benign. Last evaluated: 2018-07-14. Review status: criteria provided, single submitter. Criteria: GeneDx Variant Classification Process June 2021. Collection method: clinical testing. Allele origin: germline. Affected: yes.
Comment: This variant is associated with the following publications: (PMID: 30461124)

Breakthrough Genomics
Classification: Benign. Review status: criteria provided, single submitter. Criteria: ACMG Guidelines, 2015. Collection method: not provided. Allele origin: germline. Inheritance: Autosomal recessive inheritance. Affected: yes.

PreventionGenetics, part of Exact Sciences
Classification: Benign for EPCAM-related condition. Last evaluated: 2022-03-04. Review status: no assertion criteria provided. Collection method: clinical testing. Allele origin: germline. Not counted in ClinVar's aggregate classification.
Comment: This variant is classified as benign based on ACMG/AMP sequence variant interpretation guidelines (Richards et al. 2015 PMID: 25741868, with internal and published modifications).

Clinical Genetics Laboratory, Department of Pathology, Netherlands Cancer Institute
Classification: Benign. Review status: no assertion criteria provided. Collection method: clinical testing. Allele origin: germline. Affected: yes. Study: VKGL Data-share Consensus. Not counted in ClinVar's aggregate classification.

Joint Genome Diagnostic Labs from Nijmegen and Maastricht, Radboudumc and MUMC+
Classification: Benign. Review status: no assertion criteria provided. Collection method: clinical testing. Allele origin: germline. Affected: yes. Study: VKGL Data-share Consensus. Not counted in ClinVar's aggregate classification.

NM_002354.3(EPCAM):c.*118T>C

Gene: EPCAM (epithelial cell adhesion molecule; plus strand). Cytogenetic location: 2p21.
Variant type: single nucleotide variant.
Coding change: c.*118T>C on transcript NM_002354.3 (MANE Select); 118 bases downstream of the stop codon, T replaced by C.
Genome position (GRCh38, 1-based): chr2:47,386,731, T>C. VCF-style: chr2-47386731-T-C. GRCh37 (hg19) VCF-style: chr2-47613870-T-C.
Other names: c.*118T>C (LRG_215t1).
Identifiers: ClinVar variation 1275848 (VCV001275848.17), dbSNP rs1421, ClinGen allele CA10614050.
Genomic context (GRCh38, chr2:47,386,731, plus strand): 5'-TGTGTGTGCGTGGGACGAAGACATCTTTGAAGGTCATGAGTTTGTTAGTTTAACATCATA[T>C]ATTTGTAATAGTGAAACCTGTACTCAAAATATAAGCAGCTTGAAACTGGCTTTACCAATC-3'